The following is an entry in ClinVar:

ClinVar aggregate classification (germline): Uncertain significance (0 of 4 stars; one submission).

Conditions:
COL2A1-related disorder. Also called: COL2A1-related condition; COL2A1-related disorders.

Submission:

PreventionGenetics, part of Exact Sciences
Classification: Uncertain significance for COL2A1-related condition. Last evaluated: 2023-11-11. Review status: no assertion criteria provided. Collection method: clinical testing. Allele origin: germline.
Comment: The COL2A1 c.1911G>T variant is predicted to result in the amino acid substitution p.Glu637Asp. To our knowledge, this variant has not been reported in the literature or in a large population database, indicating this variant is rare. At this time, the clinical significance of this variant is uncertain due to the absence of conclusive functional and genetic evidence.

NM_001844.5(COL2A1):c.1911G>T (p.Glu637Asp)

Gene: COL2A1 (collagen type II alpha 1 chain; minus strand). Cytogenetic location: 12q13.11.
Variant type: single nucleotide variant.
Coding change: c.1911G>T on transcript NM_001844.5 (MANE Select); coding-DNA position 1911, G replaced by T.
Protein change: p.Glu637Asp; replaces glutamic acid 637 with aspartic acid.
Molecular consequence: missense variant.
Genome position (GRCh38, 1-based): chr12:47,984,117, C>A on the plus strand (G>T on the coding strand, the complement: COL2A1 is on the minus strand). VCF-style: chr12-47984117-C-A. GRCh37 (hg19) VCF-style: chr12-48377900-C-A.
Other names: c.1704G>T, p.Glu568Asp (NM_033150.3); short protein forms E568D, E637D.
Identifiers: ClinVar variation 3031245 (VCV003031245.2), dbSNP rs756066656, ClinGen allele CA384548961.
Genomic context (GRCh38, chr12:47,984,117, plus strand): 5'-GCCACCTGGGGAGGCTGGGCAGGTACTTACAGCAGGGCCAGGGGGTCCTGCAGCACCTGT[C>A]TCACCATCTTTGCCAGGAAGACCCTAGACAGAAGAGAAAAAGAAAAGTCAATGACACGCT-3'
Protein context (NP_001835.3, residues 627-647): GLRGLPGKDG[Glu637Asp]TGAAGPPGPA